The following is an entry in ClinVar:

NM_004444.5(EPHB4):c.54G>C (p.Glu18Asp)

Gene: EPHB4 (EPH receptor B4; minus strand). Cytogenetic location: 7q22.1.
Variant type: single nucleotide variant.
Coding change: c.54G>C on transcript NM_004444.5 (MANE Select); coding-DNA position 54, G replaced by C.
Protein change: p.Glu18Asp; replaces glutamic acid 18 with aspartic acid.
Molecular consequence: missense variant.
Genome position (GRCh38, 1-based): chr7:100,824,272, C>G on the plus strand (G>C on the coding strand, the complement: EPHB4 is on the minus strand). VCF-style: chr7-100824272-C-G. GRCh37 (hg19) VCF-style: chr7-100421894-C-G.
Other names: short protein forms E18D.
Identifiers: ClinVar variation 2663479 (VCV002663479.1), dbSNP rs920385010, ClinGen allele CA163288319.

ClinVar aggregate classification (germline): Uncertain significance (1 of 4 stars; one submission).

Allele frequency attached by ClinVar (database versions not stated): gnomAD exomes below 0.00001.
gnomAD v4.1: 1 of 1,613,834 alleles (0.000062%); highest among the groups gnomAD compares: African/African-American, 0.0013%; no homozygotes.

Submission:

GeneDx
Classification: Uncertain significance. Last evaluated: 2023-04-10. Review status: criteria provided, single submitter. Criteria: GeneDx Variant Classification Process June 2021. Collection method: clinical testing. Allele origin: germline. Affected: yes.
Comment: Not observed at significant frequency in large population cohorts (gnomAD); In silico analysis supports that this missense variant does not alter protein structure/function; Has not been previously published as pathogenic or benign to our knowledge